The following is an entry in ClinVar:

ClinVar aggregate classification (germline): Uncertain significance (1 of 4 stars; one submission).

Submission:

Ambry Genetics
Classification: Uncertain significance. Last evaluated: 2026-03-24. Review status: criteria provided, single submitter. Criteria: Ambry Variant Classification Scheme 2023. Collection method: clinical testing. Allele origin: germline.
Comment: The p.S394T variant (also known as c.1180T>A), located in coding exon 9 of the RECQL gene, results from a T to A substitution at nucleotide position 1180. The serine at codon 394 is replaced by threonine, an amino acid with similar properties. This amino acid position is conserved. In addition, the in silico prediction for this alteration is inconclusive. Based on the available evidence, the clinical significance of this variant remains unclear.

NM_002907.4(RECQL):c.1180T>A (p.Ser394Thr)

Gene: RECQL (RecQ like helicase; minus strand). Cytogenetic location: 12p12.1.
Variant type: single nucleotide variant.
Coding change: c.1180T>A on transcript NM_002907.4 (MANE Select); coding-DNA position 1180, T replaced by A.
Protein change: p.Ser394Thr; replaces serine 394 with threonine.
Molecular consequence: missense variant.
Genome position (GRCh38, 1-based): chr12:21,475,504, A>T on the plus strand (T>A on the coding strand, the complement: RECQL is on the minus strand). VCF-style: chr12-21475504-A-T. GRCh37 (hg19) VCF-style: chr12-21628438-A-T.
Other names: c.1180T>A, p.Ser394Thr (NM_032941.3); short protein forms S394T.
Identifiers: ClinVar variation 4863110 (VCV004863110.1).